The following is an entry in ClinVar:

NM_014975.3(MAST1):c.938G>A (p.Gly313Asp)

Gene: MAST1 (microtubule associated serine/threonine kinase 1; plus strand). Cytogenetic location: 19p13.13.
Variant type: single nucleotide variant.
Coding change: c.938G>A on transcript NM_014975.3 (MANE Select); coding-DNA position 938, G replaced by A.
Protein change: p.Gly313Asp; replaces glycine 313 with aspartic acid.
Molecular consequence: missense variant.
Genome position (GRCh38, 1-based): chr19:12,852,176, G>A. VCF-style: chr19-12852176-G-A. GRCh37 (hg19) VCF-style: chr19-12962990-G-A.
Other names: c.938G>A (NM_014975.2); short protein forms G313D.
Identifiers: ClinVar variation 1012926 (VCV001012926.39), dbSNP rs1969968927, ClinGen allele CA404264877.

ClinVar aggregate classification (germline): Uncertain significance. Review status: criteria provided, multiple submitters, no conflicts (2 of 4 stars). 2 submissions from 2 submitters: Uncertain significance (2). Last evaluated 2022-08-31.

Allele frequency attached by ClinVar (database versions not stated): gnomAD exomes below 0.00001.
gnomAD v4.1: 1 of 1,614,036 alleles (0.000062%); highest among the groups gnomAD compares: Non-Finnish European, 0.000085%; no homozygotes.

Submissions (2):

GeneDx
Classification: Uncertain significance. Last evaluated: 2022-08-31. Review status: criteria provided, single submitter. Criteria: GeneDx Variant Classification Process June 2021. Collection method: clinical testing. Allele origin: germline. Affected: yes.
Comment: Not observed at significant frequency in large population cohorts (gnomAD); In silico analysis supports that this missense variant has a deleterious effect on protein structure/function; Has not been previously published as pathogenic or benign to our knowledge

CeGaT Center for Human Genetics Tuebingen
Classification: Uncertain significance. Last evaluated: 2021-01-01. Review status: criteria provided, single submitter. Criteria: CeGaT Center For Human Genetics Tuebingen Variant Classification Criteria Version 2. Collection method: clinical testing. Allele origin: germline. Affected: yes. Observed: 1 variant allele.